The following is an entry in ClinVar:

ClinVar aggregate classification (germline): Pathogenic (1 of 4 stars; one submission).

Submission:

Labcorp Genetics (formerly Invitae), Labcorp
Classification: Pathogenic. Last evaluated: 2022-07-19. Review status: criteria provided, single submitter. Criteria: Invitae Variant Classification Sherloc (09022015). Collection method: clinical testing. Allele origin: germline.
Comment: For these reasons, this variant has been classified as Pathogenic. This variant disrupts a region of the FZD4 protein in which other variant(s) (p.Trp496*) have been determined to be pathogenic (PMID: 19324841, 30452590). This suggests that this is a clinically significant region of the protein, and that variants that disrupt it are likely to be disease-causing. ClinVar contains an entry for this variant (Variation ID: 837237). This premature translational stop signal has been observed in individual(s) with familial exudative vitreoretinopathy (Invitae). This variant is not present in population databases (gnomAD no frequency). This sequence change creates a premature translational stop signal (p.Val194Glyfs*17) in the FZD4 gene. While this is not anticipated to result in nonsense mediated decay, it is expected to disrupt the last 344 amino acid(s) of the FZD4 protein.

Literature cited by the submitters: PubMed 19324841; PubMed 30452590.

NM_012193.4(FZD4):c.534_580dup (p.Val194fs)

Genes: FZD4 (frizzled class receptor 4; minus strand), PRSS23 (serine protease 23; plus strand). Cytogenetic location: 11q14.2.
Variant type: Duplication.
Coding change: c.534_580dup on transcript NM_012193.4 (MANE Select); coding-DNA positions 534 to 580, 47 bases duplicated.
Protein change: p.Val194fs; shifts the reading frame from valine 194.
Molecular consequence: frameshift variant. On other transcripts: non-coding transcript variant (2).
Genome position (GRCh38, 1-based): chr11:86,952,176-86,952,222, 47 bases duplicated; duplicating any 47 consecutive bases within chr11:86,952,176-86,952,224 gives the same sequence; the c. name uses the placement nearest the transcript's 3' end. GRCh37 (hg19): chr11:86,663,220-86,663,266.
Other names: short protein forms V194fs.
Identifiers: ClinVar variation 837237 (VCV000837237.9), dbSNP rs1949299681, ClinGen allele CA916083271.
Genomic context (GRCh38, chr11:86,952,175, plus strand): 5'-GAGCGGCTGTATAAGCCAGCATCATAGCCACACTTGAGCACACAGTTCAGGCTCCTTTTC[A>ACCCAGATGTACTGATCAGAATTGGTTCCCACAGAGTGACACTCTTCC]CCCAGATGTACTGATCAGAATTGGTTCCCACAGAGTGACACTCTTCCCCAGGCTGGATGG-3'